The following is an entry in ClinVar:

ClinVar aggregate classification (germline): Uncertain significance. Review status: criteria provided, multiple submitters, no conflicts (2 of 4 stars). 3 submissions from 3 submitters: Uncertain significance (3). Last evaluated 2025-07-22.

Conditions:
Spermatogenic failure 18. Identifiers: MedGen C4539783, MONDO:0054615, OMIM 617576.
Ciliary dyskinesia, primary, 37 (CILD37). Also called: CILIARY DYSKINESIA, PRIMARY, 37, WITH OR WITHOUT SITUS INVERSUS. Identifiers: MedGen C4539798, MONDO:0033204, OMIM 617577.

Allele frequency attached by ClinVar (database versions not stated): TOPMed 0.00012; gnomAD 0.00019 and 0.00021; 1000 Genomes Project 0.00060; 1000 Genomes Project 30x 0.00062.
gnomAD v4.1: 50 of 1,613,392 alleles (0.0031%); highest among the groups gnomAD compares: Admixed American, 0.047%; 1 homozygote.

Submissions (3):

GeneDx
Classification: Uncertain significance. Last evaluated: 2025-07-22. Review status: criteria provided, single submitter. Criteria: GeneDx Variant Classification Process June 2021. Collection method: clinical testing. Allele origin: germline. Affected: yes.
Comment: Reported in the heterozygous state in a patient with primary ciliary dyskinesia; however a second DNAH11 variant was not found (PMID: 35626283); In silico analysis supports that this missense variant has a deleterious effect on protein structure/function; This variant is associated with the following publications: (PMID: 35626283)

Labcorp Genetics (formerly Invitae), Labcorp
Classification: Uncertain significance for Ciliary dyskinesia, primary, 37; Spermatogenic failure 18. Last evaluated: 2022-10-08. Review status: criteria provided, single submitter. Criteria: Invitae Variant Classification Sherloc (09022015). Collection method: clinical testing. Allele origin: germline.
Comment: This sequence change replaces arginine, which is basic and polar, with serine, which is neutral and polar, at codon 2831 of the DNAH1 protein (p.Arg2831Ser). This variant is present in population databases (rs558159006, gnomAD 0.03%). This variant has not been reported in the literature in individuals affected with DNAH1-related conditions. ClinVar contains an entry for this variant (Variation ID: 839164). Advanced modeling of protein sequence and biophysical properties (such as structural, functional, and spatial information, amino acid conservation, physicochemical variation, residue mobility, and thermodynamic stability) performed at Invitae indicates that this missense variant is expected to disrupt DNAH1 protein function. In summary, the available evidence is currently insufficient to determine the role of this variant in disease. Therefore, it has been classified as a Variant of Uncertain Significance.

Blueprint Genetics
Classification: Uncertain significance. Last evaluated: 2021-02-10. Review status: criteria provided, single submitter. Criteria: ACMG Guidelines, 2015. Collection method: clinical testing. Allele origin: germline.

NM_015512.5(DNAH1):c.8491C>A (p.Arg2831Ser)

Gene: DNAH1 (dynein axonemal heavy chain 1; plus strand). Cytogenetic location: 3p21.1.
Variant type: single nucleotide variant.
Coding change: c.8491C>A on transcript NM_015512.5 (MANE Select); coding-DNA position 8491, C replaced by A.
Protein change: p.Arg2831Ser; replaces arginine 2831 with serine.
Molecular consequence: missense variant.
Genome position (GRCh38, 1-based): chr3:52,384,954, C>A. VCF-style: chr3-52384954-C-A. GRCh37 (hg19) VCF-style: chr3-52418970-C-A.
Other names: short protein forms R2831S.
Identifiers: ClinVar variation 839164 (VCV000839164.6), dbSNP rs558159006, ClinGen allele CA2435218.